The following is an entry in ClinVar:

NM_002471.4(MYH6):c.1555C>T (p.Gln519Ter)

Gene: MYH6 (myosin heavy chain 6; minus strand). Cytogenetic location: 14q11.2.
Variant type: single nucleotide variant.
Coding change: c.1555C>T on transcript NM_002471.4 (MANE Select); coding-DNA position 1555, C replaced by T.
Protein change: p.Gln519Ter; replaces glutamine 519 with a stop codon.
Molecular consequence: nonsense.
Genome position (GRCh38, 1-based): chr14:23,400,282, G>A on the plus strand (C>T on the coding strand, the complement: MYH6 is on the minus strand). VCF-style: chr14-23400282-G-A. GRCh37 (hg19) VCF-style: chr14-23869491-G-A.
Other names: short protein forms Q519*.
Identifiers: ClinVar variation 1775144 (VCV001775144.2), dbSNP rs2502191405, ClinGen allele CA389022294.

ClinVar aggregate classification (germline): Uncertain significance (1 of 4 stars; one submission).

Conditions:
Cardiovascular phenotype. Identifiers: MedGen CN230736.

Submission:

Ambry Genetics
Classification: Uncertain significance for Cardiovascular phenotype. Last evaluated: 2021-11-18. Review status: criteria provided, single submitter. Criteria: Ambry Variant Classification Scheme 2023. Collection method: clinical testing. Allele origin: germline.
Comment: The p.Q519* variant (also known as c.1555C>T), located in coding exon 12 of the MYH6 gene, results from a C to T substitution at nucleotide position 1555. This changes the amino acid from a glutamine to a stop codon within coding exon 12. This alteration is expected to result in premature protein truncation or nonsense-mediated mRNA decay. However, loss of function of MYH6 has not been clearly established as a mechanism of disease. Since supporting evidence is limited at this time, the clinical significance of this alteration remains unclear.